The following is an entry in ClinVar:

NM_005592.4(MUSK):c.967G>T (p.Glu323Ter)

Gene: MUSK (muscle associated receptor tyrosine kinase; plus strand). Cytogenetic location: 9q31.3.
Variant type: single nucleotide variant.
Coding change: c.967G>T on transcript NM_005592.4 (MANE Select); coding-DNA position 967, G replaced by T.
Protein change: p.Glu323Ter; replaces glutamic acid 323 with a stop codon.
Molecular consequence: nonsense. On other transcripts: 5 prime UTR variant (1), intron variant (2).
Genome position (GRCh38, 1-based): chr9:110,767,866, G>T. VCF-style: chr9-110767866-G-T. GRCh37 (hg19) VCF-style: chr9-113530146-G-T.
Other names: c.-270G>T (NM_001369398.1); c.950+5658G>T (NM_001166280.2); c.920+5658G>T (NM_001166281.2); short protein forms E323*.
Identifiers: ClinVar variation 3754468 (VCV003754468.2).

ClinVar aggregate classification (germline): Pathogenic (1 of 4 stars; one submission).

Conditions:
Fetal akinesia deformation sequence 1 (FADS1). Also called: Fetal akinesia sequence; Pena-Shokeir syndrome type I. Identifiers: Orphanet 994, MedGen C1276035, MONDO:0100101, OMIM 208150, HP:0001989.
Congenital myasthenic syndrome 9. Also called: Myasthenic syndrome, congenital, 9, associated with acetylcholine receptor deficiency. Identifiers: Orphanet 590, MedGen C4225368, MONDO:0014587, OMIM 616325.

gnomAD v4.1: 1 of 1,614,016 alleles (0.000062%); highest among the groups gnomAD compares: Non-Finnish European, 0.000085%; no homozygotes.

Submission:

Labcorp Genetics (formerly Invitae), Labcorp
Classification: Pathogenic for Congenital myasthenic syndrome 9; Fetal akinesia deformation sequence 1. Last evaluated: 2024-02-08. Review status: criteria provided, single submitter. Criteria: Invitae Variant Classification Sherloc (09022015). Collection method: clinical testing. Allele origin: germline.
Comment: This sequence change creates a premature translational stop signal (p.Glu323*) in the MUSK gene. It is expected to result in an absent or disrupted protein product. Loss-of-function variants in MUSK are known to be pathogenic (PMID: 8653786, 25612909, 25695962, 25900532). This variant is not present in population databases (gnomAD no frequency). This variant has not been reported in the literature in individuals affected with MUSK-related conditions. For these reasons, this variant has been classified as Pathogenic.

Literature cited by the submitters: PubMed 8653786; PubMed 25612909; PubMed 25695962; PubMed 25900532.